The following is an entry in ClinVar:

ClinVar aggregate classification (germline): Conflicting classifications of pathogenicity. Review status: criteria provided, conflicting classifications (1 of 4 stars). 5 submissions from 5 submitters: Uncertain significance (3); Likely benign (1). 1 of the submissions does not count toward it. Last evaluated 2026-01-03.

Conditions:
Polycystic kidney disease 4 (PKD4). Also called: POLYCYSTIC KIDNEY DISEASE 4 WITH OR WITHOUT POLYCYSTIC LIVER DISEASE; Autosomal Recessive Polycystic Kidney Disease – PKHD1; POLYCYSTIC KIDNEY AND HEPATIC DISEASE 1; POLYCYSTIC KIDNEY DISEASE, INFANTILE, TYPE I; PKD3. Identifiers: MedGen C4540575, MONDO:0033004, OMIM 263200.
Inborn genetic diseases. Identifiers: MedGen C0950123, MeSH D030342.
PKHD1-related disorder. Also called: PKHD1-related condition.
Autosomal recessive polycystic kidney disease (ARPKD). Also called: AR polycystic kidney disease. Identifiers: Orphanet 731, Orphanet 8378, MedGen C0085548, MeSH D017044, MONDO:0009889.

Allele frequency attached by ClinVar (database versions not stated): gnomAD exomes 0.00002 and 0.00007; ExAC 0.00009; gnomAD 0.00020 and 0.00021; TOPMed 0.00023; 1000 Genomes Project 30x 0.00031; ESP Exome Variant Server 0.00038; 1000 Genomes Project 0.00040.
gnomAD v4.1: 61 of 1,614,068 alleles (0.0038%); highest among the groups gnomAD compares: African/African-American, 0.065%; no homozygotes.

Submissions (5):

Labcorp Genetics (formerly Invitae), Labcorp
Classification: Likely benign for Autosomal recessive polycystic kidney disease. Last evaluated: 2026-01-03. Review status: criteria provided, single submitter. Criteria: Invitae Variant Classification Sherloc (09022015). Collection method: clinical testing. Allele origin: germline.

Ambry Genetics
Classification: Uncertain significance for Inborn genetic diseases. Last evaluated: 2025-07-15. Review status: criteria provided, single submitter. Criteria: Ambry Variant Classification Scheme 2023. Collection method: clinical testing. Allele origin: germline.

Fulgent Genetics
Classification: Uncertain significance for Polycystic kidney disease 4. Last evaluated: 2024-03-21. Review status: criteria provided, single submitter. Criteria: ACMG Guidelines, 2015. Collection method: clinical testing. Allele origin: germline.

Eurofins Ntd Llc (ga)
Classification: Uncertain significance. Last evaluated: 2018-08-29. Review status: criteria provided, single submitter. Criteria: EGL ClinVar v180209 classification definitions. Collection method: clinical testing. Allele origin: germline. Observed: 3 variant alleles, 3 heterozygotes.

PreventionGenetics, part of Exact Sciences
Classification: Uncertain significance for PKHD1-related condition. Last evaluated: 2024-08-12. Review status: no assertion criteria provided. Collection method: clinical testing. Allele origin: germline. Not counted in ClinVar's aggregate classification.
Comment: The PKHD1 c.4540G>C variant is predicted to result in the amino acid substitution p.Asp1514His. To our knowledge, this variant has not been reported in the literature. This variant is reported in 0.080% of alleles in individuals of African descent in gnomAD, which is likely too common for an undocumented disease-causing variant. Although we suspect that this variant may be benign, at this time, the clinical significance of this variant is uncertain due to the absence of conclusive functional and genetic evidence.

NM_138694.4(PKHD1):c.4540G>C (p.Asp1514His)

Gene: PKHD1 (PKHD1 ciliary IPT domain containing fibrocystin/polyductin; minus strand). Cytogenetic location: 6p12.2.
Variant type: single nucleotide variant.
Coding change: c.4540G>C on transcript NM_138694.4 (MANE Select); coding-DNA position 4540, G replaced by C.
Protein change: p.Asp1514His; replaces aspartic acid 1514 with histidine.
Molecular consequence: missense variant.
Genome position (GRCh38, 1-based): chr6:52,025,270, C>G on the plus strand (G>C on the coding strand, the complement: PKHD1 is on the minus strand). VCF-style: chr6-52025270-C-G. GRCh37 (hg19) VCF-style: chr6-51890068-C-G.
Other names: c.4540G>C (NM_138694.3); c.4540G>C, p.Asp1514His (NM_170724.3); short protein forms D1514H.
Identifiers: ClinVar variation 283530 (VCV000283530.16), dbSNP rs147098776, ClinGen allele CA3852704.